The following is an entry in ClinVar:

NM_198880.3(QRICH1):c.1441G>A (p.Val481Ile)

Gene: QRICH1 (glutamine rich 1; minus strand). Cytogenetic location: 3p21.31.
Variant type: single nucleotide variant.
Coding change: c.1441G>A on transcript NM_198880.3 (MANE Select); coding-DNA position 1441, G replaced by A.
Protein change: p.Val481Ile; replaces valine 481 with isoleucine.
Molecular consequence: missense variant.
Genome position (GRCh38, 1-based): chr3:49,047,144, C>T on the plus strand (G>A on the coding strand, the complement: QRICH1 is on the minus strand). VCF-style: chr3-49047144-C-T. GRCh37 (hg19) VCF-style: chr3-49084577-C-T.
Other names: c.1441G>A, p.Val481Ile (NM_001320582.2, NM_001320583.2, NM_001320584.1 and 4 more transcripts); short protein forms V481I.
Identifiers: ClinVar variation 2429264 (VCV002429264.3), dbSNP rs1203493147, ClinGen allele CA352760221.
Genomic context (GRCh38, chr3:49,047,144, plus strand): 5'-ATCTGTTCTGAGCATCCTTCTCTAGTTCAGCATTCTTGGTCTGGGCCCAGTTTTTCCATA[C>T]TTCAAGCCCTTCTTCTGGCTTCAAAGAATTTGGAAGCAGAAGTTCTGGGGAAGGCTGTGG-3'
Protein context (NP_942581.1, residues 471-491): NSLKPEEGLE[Val481Ile]WKNWAQTKNA

ClinVar aggregate classification (germline): Uncertain significance (1 of 4 stars; one submission).

Allele frequency attached by ClinVar (database versions not stated): gnomAD exomes below 0.00001; TOPMed below 0.00001.

Submission:

Women's Health and Genetics/Laboratory Corporation of America, LabCorp
Classification: Uncertain significance. Last evaluated: 2023-01-25. Review status: criteria provided, single submitter. Criteria: LabCorp Variant Classification Summary - May 2015. Collection method: clinical testing. Allele origin: germline.
Comment: Variant summary: QRICH1 c.1441G>A (p.Val481Ile) results in a conservative amino acid change in the encoded protein sequence. Three of five in-silico tools predict a benign effect of the variant on protein function. The variant allele was found at a frequency of 4e-06 in 251484 control chromosomes (gnomAD). The available data on variant occurrences in the general population are insufficient to allow any conclusion about variant significance. To our knowledge, no occurrence of c.1441G>A in individuals affected with Ververi-Brady Syndrome and no experimental evidence demonstrating its impact on protein function have been reported. No clinical diagnostic laboratories have submitted clinical-significance assessments for this variant to ClinVar after 2014. Based on the evidence outlined above, the variant was classified as uncertain significance.